The following is an entry in ClinVar:

NM_015450.3(POT1):c.601C>T (p.Leu201Phe)

Gene: POT1 (protection of telomeres 1; minus strand). Cytogenetic location: 7q31.33.
Variant type: single nucleotide variant.
Coding change: c.601C>T on transcript NM_015450.3 (MANE Select); coding-DNA position 601, C replaced by T.
Protein change: p.Leu201Phe; replaces leucine 201 with phenylalanine.
Molecular consequence: missense variant. On other transcripts: non-coding transcript variant (3).
Genome position (GRCh38, 1-based): chr7:124,859,058, G>A on the plus strand (C>T on the coding strand, the complement: POT1 is on the minus strand). VCF-style: chr7-124859058-G-A. GRCh37 (hg19) VCF-style: chr7-124499112-G-A.
Other names: c.208C>T, p.Leu70Phe (NM_001042594.2); short protein forms L201F, L70F.
Identifiers: ClinVar variation 3308964 (VCV003308964.1).

ClinVar aggregate classification (germline): Uncertain significance (1 of 4 stars; one submission).

Conditions:
Hereditary cancer-predisposing syndrome. Also called: Neoplastic Syndromes, Hereditary; Tumor predisposition; Hereditary neoplastic syndrome; Hereditary Cancer Syndrome. Identifiers: Orphanet 140162, MedGen C0027672, MeSH D009386, MONDO:0015356.

gnomAD v4.1: 1 of 1,610,504 alleles (0.000062%); highest among the groups gnomAD compares: Admixed American, 0.0017%; no homozygotes.

Submission:

Ambry Genetics
Classification: Uncertain significance for Hereditary cancer-predisposing syndrome. Last evaluated: 2024-05-04. Review status: criteria provided, single submitter. Criteria: Ambry Variant Classification Scheme 2023. Collection method: clinical testing. Allele origin: germline.
Comment: The p.L201F variant (also known as c.601C>T), located in coding exon 5 of the POT1 gene, results from a C to T substitution at nucleotide position 601. The leucine at codon 201 is replaced by phenylalanine, an amino acid with highly similar properties. This amino acid position is conserved. In addition, this alteration is predicted to be tolerated by in silico analysis. Based on the available evidence, the clinical significance of this variant remains unclear.